The following is an entry in ClinVar:

ClinVar aggregate classification (germline): Uncertain significance. Review status: criteria provided, multiple submitters, no conflicts (2 of 4 stars). 3 submissions from 3 submitters: Uncertain significance (3). Last evaluated 2025-02-08.

Conditions:
Inborn genetic diseases. Identifiers: MedGen C0950123, MeSH D030342.

Allele frequency attached by ClinVar (database versions not stated): gnomAD 0.00001.
gnomAD v4.1: 5 of 1,613,900 alleles (0.00031%); highest among the groups gnomAD compares: Admixed American, 0.0017%; no homozygotes.

Submissions (3):

Ambry Genetics
Classification: Uncertain significance for Inborn genetic diseases. Last evaluated: 2025-02-08. Review status: criteria provided, single submitter. Criteria: Ambry Variant Classification Scheme 2023. Collection method: clinical testing. Allele origin: germline.

Women's Health and Genetics/Laboratory Corporation of America, LabCorp
Classification: Uncertain significance. Last evaluated: 2024-12-03. Review status: criteria provided, single submitter. Criteria: LabCorp Variant Classification Summary - May 2015. Collection method: clinical testing. Allele origin: germline.
Comment: Variant summary: ASXL2 c.3274C>A (p.His1092Asn) results in a conservative amino acid change in the encoded protein sequence. Three of five in-silico tools predict a benign effect of the variant on protein function. The variant was absent in 249272 control chromosomes. The available data on variant occurrences in the general population are insufficient to allow any conclusion about variant significance. To our knowledge, no occurrence of c.3274C>A in individuals affected with Shashi-Pena Syndrome and no experimental evidence demonstrating its impact on protein function have been reported. ClinVar contains an entry for this variant (Variation ID: 1422603). Based on the evidence outlined above, the variant was classified as uncertain significance.

Labcorp Genetics (formerly Invitae), Labcorp
Classification: Uncertain significance. Last evaluated: 2024-06-08. Review status: criteria provided, single submitter. Criteria: Invitae Variant Classification Sherloc (09022015). Collection method: clinical testing. Allele origin: germline.
Comment: This sequence change replaces histidine, which is basic and polar, with asparagine, which is neutral and polar, at codon 1092 of the ASXL2 protein (p.His1092Asn). This variant is not present in population databases (gnomAD no frequency). This variant has not been reported in the literature in individuals affected with ASXL2-related conditions. ClinVar contains an entry for this variant (Variation ID: 1422603). Advanced modeling of protein sequence and biophysical properties (such as structural, functional, and spatial information, amino acid conservation, physicochemical variation, residue mobility, and thermodynamic stability) performed at Invitae indicates that this missense variant is not expected to disrupt ASXL2 protein function with a negative predictive value of 80%. In summary, the available evidence is currently insufficient to determine the role of this variant in disease. Therefore, it has been classified as a Variant of Uncertain Significance.

NM_018263.6(ASXL2):c.3274C>A (p.His1092Asn)

Gene: ASXL2 (ASXL transcriptional regulator 2; minus strand). Cytogenetic location: 2p23.3.
Variant type: single nucleotide variant.
Coding change: c.3274C>A on transcript NM_018263.6 (MANE Select); coding-DNA position 3274, C replaced by A.
Protein change: p.His1092Asn; replaces histidine 1092 with asparagine.
Molecular consequence: missense variant.
Genome position (GRCh38, 1-based): chr2:25,743,063, G>T on the plus strand (C>A on the coding strand, the complement: ASXL2 is on the minus strand). VCF-style: chr2-25743063-G-T. GRCh37 (hg19) VCF-style: chr2-25965932-G-T.
Other names: c.3100C>A, p.His1034Asn (NM_001369346.1); c.2494C>A, p.His832Asn (NM_001369347.1); c.3274C>A (NM_018263.4); short protein forms H1034N, H832N, H1092N.
Identifiers: ClinVar variation 1422603 (VCV001422603.8), dbSNP rs932112145, ClinGen allele CA346079012.